The following is an entry in ClinVar:

NM_021830.5(TWNK):c.559G>T (p.Asp187Tyr)

Gene: TWNK (twinkle mtDNA helicase; plus strand). Cytogenetic location: 10q24.31.
Variant type: single nucleotide variant.
Coding change: c.559G>T on transcript NM_021830.5 (MANE Select); coding-DNA position 559, G replaced by T.
Protein change: p.Asp187Tyr; replaces aspartic acid 187 with tyrosine.
Molecular consequence: missense variant. On other transcripts: non-coding transcript variant (4), intron variant (3).
Genome position (GRCh38, 1-based): chr10:100,988,769, G>T. VCF-style: chr10-100988769-G-T. GRCh37 (hg19) VCF-style: chr10-102748526-G-T.
Other names: c.559G>T, p.Asp187Tyr (NM_001163812.2); c.-119-875G>T (NM_001163814.2, NM_001163813.2); c.-57-937G>T (NM_001368275.1); c.559G>T (NM_021830.4); short protein forms D187Y.
Identifiers: ClinVar variation 2140103 (VCV002140103.5), dbSNP rs780799588, ClinGen allele CA5653085.

ClinVar aggregate classification (germline): Uncertain significance. Review status: criteria provided, multiple submitters, no conflicts (2 of 4 stars). 2 submissions from 2 submitters: Uncertain significance (2). Last evaluated 2025-07-31.

Allele frequency attached by ClinVar (database versions not stated): TOPMed below 0.00001; ExAC 0.00001; gnomAD exomes 0.00001.

Submissions (2):

Labcorp Genetics (formerly Invitae), Labcorp
Classification: Uncertain significance. Last evaluated: 2025-07-31. Review status: criteria provided, single submitter. Criteria: Invitae Variant Classification Sherloc (09022015). Collection method: clinical testing. Allele origin: germline.
Comment: This sequence change replaces aspartic acid, which is acidic and polar, with tyrosine, which is neutral and polar, at codon 187 of the TWNK protein (p.Asp187Tyr). This variant is present in population databases (rs780799588, gnomAD 0.002%). This variant has not been reported in the literature in individuals affected with TWNK-related conditions. ClinVar contains an entry for this variant (Variation ID: 2140103). Invitae Evidence Modeling of protein sequence and biophysical properties (such as structural, functional, and spatial information, amino acid conservation, physicochemical variation, residue mobility, and thermodynamic stability) has been performed for this missense variant. However, the output from this modeling did not meet the statistical confidence thresholds required to predict the impact of this variant on TWNK protein function. In summary, the available evidence is currently insufficient to determine the role of this variant in disease. Therefore, it has been classified as a Variant of Uncertain Significance.

GeneDx
Classification: Uncertain significance. Last evaluated: 2024-05-09. Review status: criteria provided, single submitter. Criteria: GeneDx Variant Classification Process June 2021. Collection method: clinical testing. Allele origin: germline. Affected: yes.
Comment: Not observed at significant frequency in large population cohorts (gnomAD); In silico analysis indicates that this missense variant does not alter protein structure/function; Has not been previously published as pathogenic or benign to our knowledge